The following is an entry in ClinVar:

NM_001868.4(CPA1):c.326C>G (p.Ser109Cys)

Gene: CPA1 (carboxypeptidase A1; plus strand). Cytogenetic location: 7q32.2.
Variant type: single nucleotide variant.
Coding change: c.326C>G on transcript NM_001868.4 (MANE Select); coding-DNA position 326, C replaced by G.
Protein change: p.Ser109Cys; replaces serine 109 with cysteine.
Molecular consequence: missense variant.
Genome position (GRCh38, 1-based): chr7:130,381,808, C>G. VCF-style: chr7-130381808-C-G. GRCh37 (hg19) VCF-style: chr7-130021649-C-G.
Other names: short protein forms S109C.
Identifiers: ClinVar variation 3496218 (VCV003496218.1).
Genomic context (GRCh38, chr7:130,381,808, plus strand): 5'-TGATCGAGGACGTGCAGTCGCTGCTGGACGAGGAGCAGGAGCAGATGTTCGCCTTCCGGT[C>G]CCGGGCGCGCTCCACCGACACTTTTAACTACGCCACCTACCACACCCTGGAGGAGGTGAG-3'
Protein context (NP_001859.1, residues 99-119): EEQEQMFAFR[Ser109Cys]RARSTDTFNY

ClinVar aggregate classification (germline): Uncertain significance (1 of 4 stars; one submission).

Conditions:
Hereditary pancreatitis (PCTT). Also called: Hereditary chronic pancreatitis; PRSS1-Related Hereditary Pancreatitis. Identifiers: Orphanet 676, MedGen C0238339, MONDO:0008185, OMIM 167800.

Submission:

Ambry Genetics
Classification: Uncertain significance for Hereditary pancreatitis. Last evaluated: 2024-10-25. Review status: criteria provided, single submitter. Criteria: Ambry Variant Classification Scheme 2023. Collection method: clinical testing. Allele origin: germline.
Comment: The p.S109C variant (also known as c.326C>G), located in coding exon 3 of the CPA1 gene, results from a C to G substitution at nucleotide position 326. The serine at codon 109 is replaced by cysteine, an amino acid with dissimilar properties. This amino acid position is conserved. In addition, this alteration is predicted to be tolerated by in silico analysis. Based on the available evidence, the clinical significance of this variant remains unclear.